The following is an entry in ClinVar:

ClinVar aggregate classification (germline): Benign (0 of 4 stars; one submission).

Conditions:
ANGPTL4-related disorder. Also called: ANGPTL4-related condition.

Allele frequency attached by ClinVar (database versions not stated): ExAC 0.01078; gnomAD 0.03539; ESP Exome Variant Server 0.03837; TOPMed 0.03983; 1000 Genomes Project 0.03994; 1000 Genomes Project 30x 0.04279.
gnomAD v4.1: 10,856 of 1,612,598 alleles (0.67%); highest among the groups gnomAD compares: African/African-American, 13%; 618 homozygotes.

Submission:

PreventionGenetics, part of Exact Sciences
Classification: Benign for ANGPTL4-related condition. Last evaluated: 2019-11-26. Review status: no assertion criteria provided. Collection method: clinical testing. Allele origin: germline.
Comment: This variant is classified as benign based on ACMG/AMP sequence variant interpretation guidelines (Richards et al. 2015 PMID: 25741868, with internal and published modifications).

NM_139314.3(ANGPTL4):c.*8G>A

Gene: ANGPTL4 (angiopoietin like 4; plus strand). Cytogenetic location: 19p13.2.
Variant type: single nucleotide variant.
Coding change: c.*8G>A on transcript NM_139314.3 (MANE Select); 8 bases downstream of the stop codon, G replaced by A.
Molecular consequence: 3 prime UTR variant.
Genome position (GRCh38, 1-based): chr19:8,373,894, G>A. VCF-style: chr19-8373894-G-A. GRCh37 (hg19) VCF-style: chr19-8438778-G-A.
Other names: c.*8G>A (NM_001039667.3).
Identifiers: ClinVar variation 3041845 (VCV003041845.2), dbSNP rs61512436, ClinGen allele CA9156223.